The following is an entry in ClinVar:

ClinVar aggregate classification (germline): Pathogenic (1 of 4 stars; one submission).

Allele frequency attached by ClinVar (database versions not stated): gnomAD exomes below 0.00001.

Submission:

Labcorp Genetics (formerly Invitae), Labcorp
Classification: Pathogenic. Last evaluated: 2022-05-27. Review status: criteria provided, single submitter. Criteria: Invitae Variant Classification Sherloc (09022015). Collection method: clinical testing. Allele origin: germline.
Comment: For these reasons, this variant has been classified as Pathogenic. This variant has not been reported in the literature in individuals affected with CDH23-related conditions. This variant is not present in population databases (gnomAD no frequency). This sequence change creates a premature translational stop signal (p.Asn2521Glufs*2) in the CDH23 gene. It is expected to result in an absent or disrupted protein product. Loss-of-function variants in CDH23 are known to be pathogenic (PMID: 11138009, 21940737).

Literature cited by the submitters: PubMed 11138009; PubMed 21940737.

NM_022124.6(CDH23):c.7559dup (p.Asn2521fs)

Gene: CDH23 (cadherin related 23; plus strand). Cytogenetic location: 10q22.1.
Variant type: Duplication.
Coding change: c.7559dup on transcript NM_022124.6 (MANE Select); coding-DNA position 7559, one base duplicated (A; older notation c.7559dupA).
Protein change: p.Asn2521fs; shifts the reading frame from asparagine 2521.
Molecular consequence: frameshift variant.
Genome position (GRCh38, 1-based): chr10:71,802,974, A duplicated. VCF-style (leftmost placement, unchanged base first): chr10-71802973-G-GA. GRCh37 (hg19) VCF-style: chr10-73562730-G-GA.
Other names: c.839dup, p.Asn281fs (NM_001171933.1, NM_001171934.1); short protein forms N2521fs, N281fs.
Identifiers: ClinVar variation 1974836 (VCV001974836.5), dbSNP rs2494416408, ClinGen allele CA2580081893.
Genomic context (GRCh38, chr10:71,802,973, plus strand): 5'-CTGGATGTCAATGACTGCCGGCCACAGTTCTCCAAGCCCCAGTTCAGCACAAGCGTGTAT[G>GA]AGAATGAGCCGGCGGGCACCTCGGTCATCACCATGATGGCCACTGACCAGGATGAAGGTC-3'